The following is an entry in ClinVar:

NM_198994.3(TGM6):c.1178C>T (p.Ala393Val)

Gene: TGM6 (transglutaminase 6; plus strand). Cytogenetic location: 20p13.
Variant type: single nucleotide variant.
Coding change: c.1178C>T on transcript NM_198994.3 (MANE Select); coding-DNA position 1178, C replaced by T.
Protein change: p.Ala393Val; replaces alanine 393 with valine.
Molecular consequence: missense variant.
Genome position (GRCh38, 1-based): chr20:2,403,665, C>T. VCF-style: chr20-2403665-C-T. GRCh37 (hg19) VCF-style: chr20-2384311-C-T.
Other names: c.1178C>T, p.Ala393Val (NM_001254734.2); short protein forms A393V.
Identifiers: ClinVar variation 4690599 (VCV004690599.1).
Genomic context (GRCh38, chr20:2,403,665, plus strand): 5'-CAGTCACCGCCATCCGCGAGGGTGATGTGCACCTGGCTCACGATGGCCCCTTCGTGTTTG[C>T]GGAGGTCAACGCCGACTACATCACCTGGCTGTGGCACGAGGATGAGAGCCGGGAGCGTGT-3'
Protein context (NP_945345.2, residues 383-403): HLAHDGPFVF[Ala393Val]EVNADYITWL

ClinVar aggregate classification (germline): Uncertain significance (1 of 4 stars; one submission).

gnomAD v4.1: 35 of 1,614,044 alleles (0.0022%); highest among the groups gnomAD compares: Middle Eastern, 0.016%; no homozygotes.

Submission:

Labcorp Genetics (formerly Invitae), Labcorp
Classification: Uncertain significance. Last evaluated: 2025-12-06. Review status: criteria provided, single submitter. Criteria: Invitae Variant Classification Sherloc (09022015). Collection method: clinical testing. Allele origin: germline.
Comment: This sequence change replaces alanine, which is neutral and non-polar, with valine, which is neutral and non-polar, at codon 393 of the TGM6 protein (p.Ala393Val). This variant is present in population databases (no rsID available, gnomAD 0.008%). This variant has not been reported in the literature in individuals affected with TGM6-related conditions. Invitae Evidence Modeling of protein sequence and biophysical properties (such as structural, functional, and spatial information, amino acid conservation, physicochemical variation, residue mobility, and thermodynamic stability) has been performed for this missense variant. However, the output from this modeling did not meet the statistical confidence thresholds required to predict the impact of this variant on TGM6 protein function. In summary, the available evidence is currently insufficient to determine the role of this variant in disease. Therefore, it has been classified as a Variant of Uncertain Significance.